The following is an entry in ClinVar:

ClinVar aggregate classification (germline): Uncertain significance (1 of 4 stars; one submission).

Conditions:
Hereditary spastic paraplegia 45. Also called: Spastic paraplegia 45, autosomal recessive; SPASTIC PARAPLEGIA 45. Identifiers: Orphanet 320396, MedGen C3888209, MONDO:0013165, OMIM 613162.

Allele frequency attached by ClinVar (database versions not stated): TOPMed 0.00001; ESP Exome Variant Server 0.00008.

Submission:

Labcorp Genetics (formerly Invitae), Labcorp
Classification: Uncertain significance for Hereditary spastic paraplegia 45. Last evaluated: 2022-07-29. Review status: criteria provided, single submitter. Criteria: Invitae Variant Classification Sherloc (09022015). Collection method: clinical testing. Allele origin: germline.
Comment: This sequence change replaces glutamic acid, which is acidic and polar, with glutamine, which is neutral and polar, at codon 75 of the NT5C2 protein (p.Glu75Gln). This variant is present in population databases (rs371125987, gnomAD 0.0009%). This variant has not been reported in the literature in individuals affected with NT5C2-related conditions. Algorithms developed to predict the effect of missense changes on protein structure and function (SIFT, PolyPhen-2, Align-GVGD) all suggest that this variant is likely to be tolerated. In summary, the available evidence is currently insufficient to determine the role of this variant in disease. Therefore, it has been classified as a Variant of Uncertain Significance.

NM_001351169.2(NT5C2):c.223G>C (p.Glu75Gln)

Gene: NT5C2 (5'-nucleotidase, cytosolic II; minus strand). Cytogenetic location: 10q24.33.
Variant type: single nucleotide variant.
Coding change: c.223G>C on transcript NM_001351169.2 (MANE Select); coding-DNA position 223, G replaced by C.
Protein change: p.Glu75Gln; replaces glutamic acid 75 with glutamine.
Molecular consequence: missense variant. On other transcripts: 5 prime UTR variant (22).
Genome position (GRCh38, 1-based): chr10:103,106,659, C>G on the plus strand (G>C on the coding strand, the complement: NT5C2 is on the minus strand). VCF-style: chr10-103106659-C-G. GRCh37 (hg19) VCF-style: chr10-104866416-C-G.
Other names: c.223G>C, p.Glu75Gln (NM_001134373.3, NM_001351170.2, NM_001351171.2 and 3 more transcripts); c.136G>C, p.Glu46Gln (NM_001351174.1); c.130G>C, p.Glu44Gln (NM_001351175.2); c.-351G>C (NM_001351176.2, NM_001351177.2, NM_001351183.2 and 2 more transcripts); c.-375G>C (NM_001351178.2, NM_001351193.1); c.-543G>C (NM_001351179.2, NM_001351180.2, NM_001351182.2 and 3 more transcripts); c.-259G>C (NM_001351181.2, NM_001351191.1); c.-564G>C (NM_001351185.2); and 5 more; short protein forms E44Q, E46Q, E75Q.
Identifiers: ClinVar variation 2157224 (VCV002157224.4), dbSNP rs371125987, ClinGen allele CA212337986.